The following is an entry in ClinVar:

NM_015102.5(NPHP4):c.3902G>T (p.Arg1301Leu)

Gene: NPHP4 (nephrocystin 4; minus strand). Cytogenetic location: 1p36.31.
Variant type: single nucleotide variant.
Coding change: c.3902G>T on transcript NM_015102.5 (MANE Select); coding-DNA position 3902, G replaced by T.
Protein change: p.Arg1301Leu; replaces arginine 1301 with leucine.
Molecular consequence: missense variant. On other transcripts: non-coding transcript variant (1).
Genome position (GRCh38, 1-based): chr1:5,864,432, C>A on the plus strand (G>T on the coding strand, the complement: NPHP4 is on the minus strand). VCF-style: chr1-5864432-C-A. GRCh37 (hg19) VCF-style: chr1-5924492-C-A.
Other names: c.2363G>T, p.Arg788Leu (NM_001291593.2); c.2366G>T, p.Arg789Leu (NM_001291594.2); short protein forms R1301L, R789L, R788L.
Identifiers: ClinVar variation 1039076 (VCV001039076.6), dbSNP rs760871475, ClinGen allele CA338049752.

ClinVar aggregate classification (germline): Uncertain significance (1 of 4 stars; one submission).

Conditions:
Nephronophthisis. Also called: Juvenile Nephronophthisis. Identifiers: Orphanet 655, MedGen C0687120, MONDO:0019005, HP:0000090.

Allele frequency attached by ClinVar (database versions not stated): TOPMed 0.00001.
gnomAD v4.1: 2 of 1,609,294 alleles (0.00012%); highest among the groups gnomAD compares: Non-Finnish European, 0.00017%; no homozygotes.

Submission:

Labcorp Genetics (formerly Invitae), Labcorp
Classification: Uncertain significance for Nephronophthisis. Last evaluated: 2021-08-24. Review status: criteria provided, single submitter. Criteria: Invitae Variant Classification Sherloc (09022015). Collection method: clinical testing. Allele origin: germline.
Comment: This sequence change replaces arginine with leucine at codon 1301 of the NPHP4 protein (p.Arg1301Leu). The arginine residue is highly conserved and there is a moderate physicochemical difference between arginine and leucine. This variant is not present in population databases (ExAC no frequency). This variant has not been reported in the literature in individuals affected with NPHP4-related conditions. Algorithms developed to predict the effect of missense changes on protein structure and function (SIFT, PolyPhen-2, Align-GVGD) all suggest that this variant is likely to be disruptive. In summary, the available evidence is currently insufficient to determine the role of this variant in disease. Therefore, it has been classified as a Variant of Uncertain Significance.